The following is an entry in ClinVar:

NM_005732.4(RAD50):c.3164+1G>A

Gene: RAD50 (RAD50 double strand break repair protein; plus strand). Cytogenetic location: 5q31.1.
Variant type: single nucleotide variant.
Coding change: c.3164+1G>A on transcript NM_005732.4 (MANE Select); the canonical splice donor site of the intron after coding-DNA position 3164, G replaced by A.
Molecular consequence: splice donor variant.
Genome position (GRCh38, 1-based): chr5:132,616,131, G>A. VCF-style: chr5-132616131-G-A. GRCh37 (hg19) VCF-style: chr5-131951823-G-A.
Identifiers: ClinVar variation 187532 (VCV000187532.11), dbSNP rs786203805, ClinGen allele CA197889.
Genomic context (GRCh38, chr5:132,616,131, plus strand): 5'-AGAAGAAAGAAAACAACATTTGAAGGAAATGGGTCAAATGCAGGTTTTGCAAATGAAAAG[G>A]TATGCTTTTAAAATAATCTTCAGTTTAAATAAACGTCTTTATTACTGGAATGTGAAGAAT-3'

ClinVar aggregate classification (germline): Likely pathogenic. Review status: criteria provided, multiple submitters, no conflicts (2 of 4 stars). 2 submissions from 2 submitters: Likely pathogenic (2). Last evaluated 2021-11-15.

Conditions:
Hereditary cancer-predisposing syndrome. Also called: Neoplastic Syndromes, Hereditary; Tumor predisposition; Hereditary Cancer Syndrome; Hereditary neoplastic syndrome. Identifiers: Orphanet 140162, MedGen C0027672, MeSH D009386, MONDO:0015356.

Submissions (2):

Labcorp Genetics (formerly Invitae), Labcorp
Classification: Likely pathogenic for Hereditary cancer-predisposing syndrome. Last evaluated: 2021-11-15. Review status: criteria provided, single submitter. Criteria: Invitae Variant Classification Sherloc (09022015). Collection method: clinical testing. Allele origin: germline.
Comment: This variant is not present in population databases (gnomAD no frequency). This sequence change affects a donor splice site in intron 20 of the RAD50 gene. It is expected to disrupt RNA splicing. Variants that disrupt the donor or acceptor splice site typically lead to a loss of protein function (PMID: 16199547), and loss-of-function variants in RAD50 are known to be pathogenic (PMID: 19409520). This variant has not been reported in the literature in individuals affected with RAD50-related conditions. In summary, the currently available evidence indicates that the variant is pathogenic, but additional data are needed to prove that conclusively. Therefore, this variant has been classified as Likely Pathogenic. Algorithms developed to predict the effect of sequence changes on RNA splicing suggest that this variant may disrupt the consensus splice site. ClinVar contains an entry for this variant (Variation ID: 187532).

Ambry Genetics
Classification: Likely pathogenic for Hereditary cancer-predisposing syndrome. Last evaluated: 2014-12-16. Review status: criteria provided, single submitter. Criteria: Ambry Variant Classification Scheme 2023. Collection method: clinical testing. Allele origin: germline.
Comment: The c.3164+1G>A intronic variant results from a G to A substitution one nucleotide after coding exon 20 of the RAD50 gene. This variant was not reported in population based cohorts in the following databases: Database of Single Nucleotide Polymorphisms (dbSNP), NHLBI Exome Sequencing Project (ESP), and 1000 Genomes Project. In the ESP, this variant was not observed in 6500 samples (13000 alleles) with coverage at this position. To date, this alteration has been detected with an allele frequency of approximately 0.003% (greater than 40,000 alleles tested) in our clinical cohort. Based on nucleotide sequence alignment, this position is highly conserved in available vertebrate species. Using the BDGP and ESEfinder splice site prediction tools, this alteration is predicted to abolish the native donor splice site; however, direct evidence is unavailable. Alterations that disrupt the canonical splice donor site are typically deleterious in nature (ACMG Recommendations for Standards for Interpretation and Reporting of Sequence Variations. Revision 2007. Genet Med. 2008;10:294). As such, the c.3164+1G>A variant is classified as likely pathogenic.

Literature cited by the submitters: PubMed 16199547 (cited by Labcorp Genetics (formerly Invitae), Labcorp); PubMed 19409520 (cited by Labcorp Genetics (formerly Invitae), Labcorp).